The following is an entry in ClinVar:

ClinVar aggregate classification (germline): Uncertain significance (1 of 4 stars; one submission).

Submission:

Ambry Genetics
Classification: Uncertain significance. Last evaluated: 2015-07-20. Review status: criteria provided, single submitter. Criteria: Ambry Variant Classification Scheme 2023. Collection method: clinical testing. Allele origin: germline.
Comment: The c.2311_2324del14insCACT variant, located in coding exon 15 of the MYOM1 gene, results from the deletion of 14 nucleotides and an insertion of 4 nucleotides causing a translational frameshift with a predicted alternate stop codon. This variant was not reported in population based cohorts in the following databases: Database of Single Nucleotide Polymorphisms (dbSNP), NHLBI Exome Sequencing Project (ESP), and 1000 Genomes Project. In the ESP, this variant was not observed in 6076 samples (12152 alleles) with coverage at this position. Frameshifts are typically deleterious in nature, however, this alteration as well as a loss of function mechanism of pathogenicity have not been well described in the MYOM1 gene. Additionally, there are multiple frameshift and nonsense alterations reported in the MYOM1 gene in ESP. Since supporting evidence is limited at this time, the clinical significance of the c.2311_2324del14insCACT variant remains unclear (ACMG Standards and guidelines for the interpretation of sequence variants. Genet Med. 2015 May;17(5):405-23).

NM_003803.4(MYOM1):c.2311_2324delinsCACT (p.Tyr771fs)

Gene: MYOM1 (myomesin 1; minus strand). Cytogenetic location: 18p11.31.
Variant type: Indel.
Coding change: c.2311_2324delinsCACT on transcript NM_003803.4 (MANE Select); coding-DNA positions 2311 to 2324, TACTACATAGAGGC replaced by CACT.
Protein change: p.Tyr771fs; shifts the reading frame from tyrosine 771.
Molecular consequence: frameshift variant.
Genome position (GRCh38, 1-based): chr18:3,134,710-3,134,723, GCCTCTATGTAGTA replaced by AGTG on the plus strand (TACTACATAGAGGC replaced by CACT on the coding strand, the reverse complement: MYOM1 is on the minus strand). VCF-style: chr18-3134710-GCCTCTATGTAGTA-AGTG. GRCh37 (hg19) VCF-style: chr18-3134708-GCCTCTATGTAGTA-AGTG.
Other names: c.2311_2324delinsCACT, p.Tyr771fs (NM_019856.2); short protein forms Y771fs.
Identifiers: ClinVar variation 520253 (VCV000520253.5), dbSNP rs1555621545, ClinGen allele CA658798996.